The following is an entry in ClinVar:

ClinVar aggregate classification (germline): Pathogenic/Likely pathogenic. Review status: criteria provided, multiple submitters, no conflicts (2 of 4 stars). 2 submissions from 2 submitters: Pathogenic (1); Likely pathogenic (1). Last evaluated 2026-01-05.

Conditions:
Autosomal recessive limb-girdle muscular dystrophy type 2O. Also called: Limb-Girdle Muscular Dystrophy Type 3C; MUSCULAR DYSTROPHY-DYSTROGLYCANOPATHY (LIMB-GIRDLE), TYPE C, 3; MUSCULAR DYSTROPHY-DYSTROGLYCANOPATHY, LIMB-GIRDLE, POMGNT1-RELATED. Identifiers: Orphanet 206564, MedGen C3150417, MONDO:0013161, OMIM 613157.
Muscular dystrophy-dystroglycanopathy (congenital with impaired intellectual development), type B, 3. Also called: MUSCULAR DYSTROPHY, CONGENITAL, POMGNT1-RELATED; Muscular dystrophy-dystroglycanopathy (congenital with intellectual disability), type B3. Identifiers: MedGen C3150412, MONDO:0013155, OMIM 613151.
Muscular dystrophy-dystroglycanopathy. Also called: Congenital muscular dystrophy due to dystroglycanopathy. Identifiers: Orphanet 370953, MedGen C5679911, MONDO:0018276.

Submissions (2):

Labcorp Genetics (formerly Invitae), Labcorp
Classification: Pathogenic for Autosomal recessive limb-girdle muscular dystrophy type 2O; Muscular dystrophy-dystroglycanopathy (congenital with impaired intellectual development), type B, 3. Last evaluated: 2026-01-05. Review status: criteria provided, single submitter. Criteria: Invitae Variant Classification Sherloc (09022015). Collection method: clinical testing. Allele origin: germline.
Comment: This sequence change creates a premature translational stop signal (p.Pro88Hisfs*14) in the POMGNT1 gene. It is expected to result in an absent or disrupted protein product. Loss-of-function variants in POMGNT1 are known to be pathogenic (PMID: 19299310, 20816175, 21447391, 26908613, 27391550). This variant is present in population databases (no rsID available, gnomAD 0.006%). This variant has not been reported in the literature in individuals affected with POMGNT1-related conditions. ClinVar contains an entry for this variant (Variation ID: 1399654). Algorithms developed to predict the effect of sequence changes on RNA splicing suggest that this variant may disrupt the consensus splice site. For these reasons, this variant has been classified as Pathogenic.

Broad Center for Mendelian Genomics, Broad Institute of MIT and Harvard
Classification: Likely pathogenic for Muscular dystrophy-dystroglycanopathy. Last evaluated: 2023-01-24. Review status: criteria provided, single submitter. Criteria: ACMG Guidelines, 2015. Collection method: curation. Allele origin: germline. Inheritance: Autosomal recessive inheritance.
Comment: The p.Pro88fs variant in POMGNT1 has not been previously reported in the literature in individuals with POMGNT1-associated muscular dystrophy-dystroglycanopathy, but has been identified in 0.006% (2/34590) of Latino/Admixed American chromosomes by the Genome Aggregation Database (gnomAD; dbSNP ID: rs1557677980). Although this variant has been seen in the general population in a heterozygous state, its frequency is low enough to be consistent with a recessive carrier frequency. It is of note that this variant occurs in a homopolymer repeat, which could indicate that it exists as an artifact from sequencing. However, disease-causing variants have been reported in homopolymer regions, so this is not enough to rule out a pathogenic role. This variant has also been reported in ClinVar (Variation ID#1399654) and has been interpreted as pathogenic by Invitae. This variant is predicted to cause a frameshift, which alters the protein‚Äôs amino acid sequence beginning at position 88 and leads to a premature termination codon 14 amino acids downstream. This alteration is then predicted to lead to a truncated or absent protein. Loss of function is an established disease mechanism in autosomal recessive POMGNT1-associated muscular dystrophy-dystroglycanopathy. In summary, although additional studies are required to fully establish its clinical significance, this variant is likely pathogenic for POMGNT1-associated muscular dystrophy-dystroglycanopathy. ACMG/AMP Criteria applied: PVS1, PM2 (Richards 2015).

Literature cited by the submitters: PubMed 19299310 (cited by Labcorp Genetics (formerly Invitae), Labcorp); PubMed 20816175 (cited by Labcorp Genetics (formerly Invitae), Labcorp); PubMed 21447391 (cited by Labcorp Genetics (formerly Invitae), Labcorp); PubMed 26908613 (cited by Labcorp Genetics (formerly Invitae), Labcorp); PubMed 27391550 (cited by Labcorp Genetics (formerly Invitae), Labcorp).

NM_017739.4(POMGNT1):c.263del (p.Pro88fs)

Gene: POMGNT1 (protein O-linked mannose N-acetylglucosaminyltransferase 1 (beta 1,2-); minus strand). Cytogenetic location: 1p34.1.
Variant type: Deletion.
Coding change: c.263del on transcript NM_017739.4 (MANE Select); coding-DNA position 263, one base deleted (C; older notation c.263delC).
Protein change: p.Pro88fs; shifts the reading frame from proline 88.
Molecular consequence: frameshift variant. On other transcripts: 5 prime UTR variant (1).
Genome position (GRCh38, 1-based): chr1:46,196,822, G deleted on the plus strand (C on the coding strand, the reverse complement: POMGNT1 is on the minus strand); the first of 5 consecutive G bases (chr1:46,196,822-46,196,826); deleting any one gives the same sequence. VCF-style (leftmost placement, unchanged base first): chr1-46196821-TG-T. GRCh37 (hg19) VCF-style: chr1-46662493-TG-T.
Other names: NM_017739.4(POMGNT1):c.263del; p.Pro88fs; c.263del, p.Pro88fs (NM_001243766.2, NM_001410783.1); c.193delC, p.Pro66Hisfs (NM_001290129.3); c.-167del (NM_001290130.2); short protein forms P66fs, P88fs.
Identifiers: ClinVar variation 1399654 (VCV001399654.6), dbSNP rs1557677980, ClinGen allele CA522811918.